The following is an entry in ClinVar:

ClinVar aggregate classification (germline): Conflicting classifications of pathogenicity. Review status: criteria provided, conflicting classifications (1 of 4 stars). 4 submissions from 4 submitters: Uncertain significance (3); Likely benign (1). Last evaluated 2026-01-27.

Conditions:
Familial hypobetalipoproteinemia 1. Also called: Hypobetalipoproteinemia, normotriglyceridemic; Acanthocytosis with hypobetalipoproteinemia; APOB-Related Familial Hypobetalipoproteinemia. Identifiers: MedGen C4551990, MONDO:0014252, OMIM 615558.
Hypercholesterolemia, autosomal dominant, type B (FHCL2). Also called: Familial Hypercholesterolemia Type B; APOB-Related Familial Hypercholesterolemia, Autosomal Dominant; Hyperlipoproteinemia Type IIb; Familial hypercholesterolemia 2; APOLIPOPROTEIN B-100, FAMILIAL DEFECTIVE; APOLIPOPROTEIN B-100, FAMILIAL LIGAND-DEFECTIVE. Identifiers: MedGen C1704417, MONDO:0007751, OMIM 144010.
Hypercholesterolemia, familial, 1. Also called: LDL RECEPTOR DISORDER; Hyperlipoproteinemia Type IIa; HYPER-LOW-DENSITY-LIPOPROTEINEMIA; HYPERCHOLESTEROLEMIC XANTHOMATOSIS, FAMILIAL; Fredrickson type IIa hyperlipoproteinemia; Hyperlipoproteinemia type 2. Identifiers: Orphanet 391665, MedGen C0745103, MONDO:0007750, OMIM 143890.
Cardiovascular phenotype. Identifiers: MedGen CN230736.

Allele frequency attached by ClinVar (database versions not stated): gnomAD 0.00001; TOPMed 0.00001; gnomAD exomes 0.00002; ExAC 0.00003; ESP Exome Variant Server 0.00008.
gnomAD v4.1: 28 of 1,614,072 alleles (0.0017%); highest among the groups gnomAD compares: South Asian, 0.0044%; no homozygotes.

Submissions (4):

Labcorp Genetics (formerly Invitae), Labcorp
Classification: Likely benign for Familial hypobetalipoproteinemia 1; Hypercholesterolemia, autosomal dominant, type B. Last evaluated: 2026-01-27. Review status: criteria provided, single submitter. Criteria: Invitae Variant Classification Sherloc (09022015). Collection method: clinical testing. Allele origin: germline.

GeneDx
Classification: Uncertain significance. Last evaluated: 2024-12-02. Review status: criteria provided, single submitter. Criteria: GeneDx Variant Classification Process June 2021. Collection method: clinical testing. Allele origin: germline. Affected: yes.
Comment: In silico analysis supports that this missense variant has a deleterious effect on protein structure/function; Has not been previously published as pathogenic or benign to our knowledge

Ambry Genetics
Classification: Uncertain significance for Cardiovascular phenotype. Last evaluated: 2016-10-21. Review status: criteria provided, single submitter. Criteria: Ambry Variant Classification Scheme 2023. Collection method: clinical testing. Allele origin: germline.
Comment: The p.P1343S variant (also known as c.4027C>T), located in coding exon 25 of the APOB gene, results from a C to T substitution at nucleotide position 4027. The proline at codon 1343 is replaced by serine, an amino acid with some similar properties. This variant was previously reported in the SNPDatabase as rs374427541. Based on data from the NHLBI Exome Sequencing Project (ESP), the T allele has an overall frequency of approximately 0.01% (1/13006) total alleles studied and 0.01% (1/8600) European American alleles. Based on data from ExAC, the T allele has an overall frequency of less than 0.01% (3/106208). This amino acid position is well conserved in available vertebrate species. In addition, this alteration is predicted to be tolerated by in silico analysis. Since supporting evidence is limited at this time, the clinical significance of this alteration remains unclear.

Genomic Diagnostic Laboratory, Division of Genomic Diagnostics, Children's Hospital of Philadelphia
Classification: Uncertain significance for Familial hypercholesterolemia. Last evaluated: 2015-07-30. Review status: criteria provided, single submitter. Criteria: DGD Variant Analysis Guidelines. Collection method: clinical testing. Allele origin: unknown.

NM_000384.3(APOB):c.4027C>T (p.Pro1343Ser)

Gene: APOB (apolipoprotein B; minus strand). Cytogenetic location: 2p24.1.
Variant type: single nucleotide variant.
Coding change: c.4027C>T on transcript NM_000384.3 (MANE Select); coding-DNA position 4027, C replaced by T.
Protein change: p.Pro1343Ser; replaces proline 1343 with serine.
Molecular consequence: missense variant.
Genome position (GRCh38, 1-based): chr2:21,013,349, G>A on the plus strand (C>T on the coding strand, the complement: APOB is on the minus strand). VCF-style: chr2-21013349-G-A. GRCh37 (hg19) VCF-style: chr2-21236221-G-A.
Other names: short protein forms P1343S.
Identifiers: ClinVar variation 252483 (VCV000252483.17), dbSNP rs374427541, ClinGen allele CA060377.